The following is an entry in ClinVar:

NM_001848.3(COL6A1):c.580G>A (p.Asp194Asn)

Gene: COL6A1 (collagen type VI alpha 1 chain; plus strand). Cytogenetic location: 21q22.3.
Variant type: single nucleotide variant.
Coding change: c.580G>A on transcript NM_001848.3 (MANE Select); coding-DNA position 580, G replaced by A.
Protein change: p.Asp194Asn; replaces aspartic acid 194 with asparagine.
Molecular consequence: missense variant.
Genome position (GRCh38, 1-based): chr21:45,986,677, G>A. VCF-style: chr21-45986677-G-A. GRCh37 (hg19) VCF-style: chr21-47406591-G-A.
Other names: short protein forms D194N.
Identifiers: ClinVar variation 2081269 (VCV002081269.4), dbSNP rs777883035, ClinGen allele CA10069606.

ClinVar aggregate classification (germline): Uncertain significance (1 of 4 stars; one submission).

Conditions:
Bethlem myopathy 1A. Also called: MYOPATHY, BENIGN CONGENITAL, WITH CONTRACTURES; Bethlem myopathy 1; Bethlem Muscular Dystrophy. Identifiers: Orphanet 610, MedGen CN029274, MONDO:0024530, OMIM 158810.

Allele frequency attached by ClinVar (database versions not stated): gnomAD exomes below 0.00001.
gnomAD v4.1: 6 of 1,546,780 alleles (0.00039%); highest among the groups gnomAD compares: Non-Finnish European, 0.00052%; no homozygotes.

Submission:

Labcorp Genetics (formerly Invitae), Labcorp
Classification: Uncertain significance for Bethlem myopathy 1A. Last evaluated: 2025-05-07. Review status: criteria provided, single submitter. Criteria: Invitae Variant Classification Sherloc (09022015). Collection method: clinical testing. Allele origin: germline.
Comment: This sequence change replaces aspartic acid, which is acidic and polar, with asparagine, which is neutral and polar, at codon 194 of the COL6A1 protein (p.Asp194Asn). This variant is not present in population databases (gnomAD no frequency). This variant has not been reported in the literature in individuals affected with COL6A1-related conditions. ClinVar contains an entry for this variant (Variation ID: 2081269). Invitae Evidence Modeling of protein sequence and biophysical properties (such as structural, functional, and spatial information, amino acid conservation, physicochemical variation, residue mobility, and thermodynamic stability) indicates that this missense variant is not expected to disrupt COL6A1 protein function with a negative predictive value of 95%. In summary, the available evidence is currently insufficient to determine the role of this variant in disease. Therefore, it has been classified as a Variant of Uncertain Significance.